The following is an entry in ClinVar:

ClinVar aggregate classification (germline): Uncertain significance (1 of 4 stars; one submission).

Conditions:
Inborn genetic diseases. Identifiers: MedGen C0950123, MeSH D030342.

Allele frequency attached by ClinVar (database versions not stated): TOPMed 0.00009.
gnomAD v4.1: 26 of 1,614,136 alleles (0.0016%); highest among the groups gnomAD compares: East Asian, 0.042%; no homozygotes.

Submission:

Ambry Genetics
Classification: Uncertain significance for Inborn genetic diseases. Last evaluated: 2026-02-17. Review status: criteria provided, single submitter. Criteria: Ambry Variant Classification Scheme 2023. Collection method: clinical testing. Allele origin: germline.
Comment: The c.8366C>A (p.T2789N) alteration is located in exon 52 (coding exon 51) of the VWF gene. This alteration results from a C to A substitution at nucleotide position 8366, causing the threonine (T) at amino acid position 2789 to be replaced by an asparagine (N). Based on data from gnomAD, the A allele has an overall frequency of 0.005% (14/282484) total alleles studied. The highest observed frequency was 0.07% (14/19950) of East Asian alleles. Based on insufficient or conflicting evidence, the clinical significance of this alteration remains unclear.

NM_000552.5(VWF):c.8366C>A (p.Thr2789Asn)

Gene: VWF (von Willebrand factor; minus strand). Cytogenetic location: 12p13.31.
Variant type: single nucleotide variant.
Coding change: c.8366C>A on transcript NM_000552.5 (MANE Select); coding-DNA position 8366, C replaced by A.
Protein change: p.Thr2789Asn; replaces threonine 2789 with asparagine.
Molecular consequence: missense variant.
Genome position (GRCh38, 1-based): chr12:5,949,091, G>T on the plus strand (C>A on the coding strand, the complement: VWF is on the minus strand). VCF-style: chr12-5949091-G-T. GRCh37 (hg19) VCF-style: chr12-6058257-G-T.
Other names: c.8366C>A (NM_000552.3); short protein forms T2789N.
Identifiers: ClinVar variation 2396469 (VCV002396469.3), dbSNP rs371036946, ClinGen allele CA6401322.